The following is an entry in ClinVar:

NM_182760.4(SUMF1):c.464C>T (p.Ser155Phe)

Gene: SUMF1 (sulfatase modifying factor 1; minus strand). Cytogenetic location: 3p26.1.
Variant type: single nucleotide variant.
Coding change: c.464C>T on transcript NM_182760.4 (MANE Select); coding-DNA position 464, C replaced by T.
Protein change: p.Ser155Phe; replaces serine 155 with phenylalanine.
Molecular consequence: missense variant. On other transcripts: intron variant (1).
Genome position (GRCh38, 1-based): chr3:4,449,321, G>A on the plus strand (C>T on the coding strand, the complement: SUMF1 is on the minus strand). VCF-style: chr3-4449321-G-A. GRCh37 (hg19) VCF-style: chr3-4491005-G-A.
Other names: c.464C>T, p.Ser155Phe (NM_001164675.2); c.444+3555C>T (NM_001164674.2); short protein forms S155F.
Identifiers: ClinVar variation 985111 (VCV000985111.8), dbSNP rs1702889459, ClinGen allele CA351793007.

ClinVar aggregate classification (germline): Conflicting classifications of pathogenicity. Review status: criteria provided, conflicting classifications (1 of 4 stars). 4 submissions from 4 submitters: Likely pathogenic (3); Uncertain significance (1). Last evaluated 2026-02-02.

Conditions:
Inborn genetic diseases. Identifiers: MedGen C0950123, MeSH D030342.
Multiple sulfatase deficiency (MSD). Also called: Multiple Sulfatase Deficiency Disease; Mucosulfatidosis; Sulfatidosis, Juvenile, Austin Type. Identifiers: Orphanet 585, MedGen C0268263, MONDO:0010088, OMIM 272200.

gnomAD v4.1: 2 of 1,614,112 alleles (0.00012%); highest among the groups gnomAD compares: Non-Finnish European, 0.000085%; no homozygotes.

Submissions (4):

Women's Health and Genetics/Laboratory Corporation of America, LabCorp
Classification: Likely pathogenic for Multiple sulfatase deficiency. Last evaluated: 2026-02-02. Review status: criteria provided, single submitter. Criteria: LabCorp Variant Classification Summary - May 2015. Collection method: clinical testing. Allele origin: germline.
Comment: Variant summary: SUMF1 c.464C>T (p.Ser155Phe) results in a non-conservative amino acid change located in the Sulfatase-modifying factor enzyme (SUMF) domain (IPR005532) of the encoded protein sequence. Five of five in-silico tools predict a damaging effect of the variant on protein function. The variant was absent in 251440 control chromosomes (gnomAD). c.464C>T has been reported in the literature in compound heterozygous state (with another missense variant) in an individual affected with Multiple Sulfatase Deficiency (Adang_2020). Authors of this study reported experimental evidence evaluating the impact on protein function and demonstrated that both missense variants severely impaired sulfatase-enhancing activity (Adang_2020). In addition, a different variant affecting the same codon has been classified as pathogenic by our lab (c.463T>C (p.Ser155Pro)), supporting the critical relevance of codon 155 to SUMF1 protein function. The following publication has been ascertained in the context of this evaluation (PMID: 32749716). ClinVar contains an entry for this variant (Variation ID: 985111). Based on the evidence outlined above, the variant was classified as likely pathogenic.

Natera, Inc.
Classification: Likely pathogenic for Multiple sulfatase deficiency. Last evaluated: 2025-04-23. Review status: criteria provided, single submitter. Criteria: Natera Variant Classification Schema (03/2026). Collection method: clinical testing. Allele origin: germline.
Comment: The c.464C>T variant in SUMF1 is a missense variant predicted to cause substitution of serine to phenylalanine at amino acid 155. This variant is rare in the general population with a frequency below the threshold expected for the associated phenotype(s). Functional studies show that this variant may disrupt protein function (PMID: 32749716). A different variant at the same position has been determined to be Pathogenic or Likely Pathogenic. Computational prediction algorithms indicate this variant is likely to affect gene or protein function. Given the available evidence, this variant is classified as Likely Pathogenic.

Fulgent Genetics
Classification: Likely pathogenic for Multiple sulfatase deficiency. Last evaluated: 2024-05-16. Review status: criteria provided, single submitter. Criteria: ACMG Guidelines, 2015. Collection method: clinical testing. Allele origin: germline.

Ambry Genetics
Classification: Uncertain significance for Inborn genetic diseases. Last evaluated: 2018-04-26. Review status: criteria provided, single submitter. Criteria: Ambry exome assertion method (8-5-2015). Collection method: clinical testing. Allele origin: germline. Affected: yes. Observed: 1 variant allele.

Literature cited by the submitters: PubMed 32749716 (cited by Women's Health and Genetics/Laboratory Corporation of America, LabCorp and Natera, Inc.).